The following is an entry in ClinVar:

NM_032237.5(POMK):c.386_387del (p.Leu129fs)

Gene: POMK (protein O-mannose kinase; plus strand). Cytogenetic location: 8p11.21.
Variant type: Microsatellite.
Coding change: c.386_387del on transcript NM_032237.5 (MANE Select); coding-DNA positions 386 to 387, 2 bases deleted (TC; older notation c.386_387delTC).
Protein change: p.Leu129fs; shifts the reading frame from leucine 129.
Molecular consequence: frameshift variant.
Genome position (GRCh38, 1-based): chr8:43,122,210-43,122,211, TC deleted; deleting any 2 consecutive bases within chr8:43,122,206-43,122,211 gives the same sequence; the c. name uses the placement nearest the transcript's 3' end. VCF-style (leftmost placement, unchanged base first): chr8-43122205-ATC-A. GRCh37 (hg19) VCF-style: chr8-42977348-ATC-A.
Other names: c.386_387del, p.Leu129fs (NM_001277971.2); short protein forms L129fs.
Identifiers: ClinVar variation 1339764 (VCV001339764.3), dbSNP rs2130626422, ClinGen allele CA2580614352.

ClinVar aggregate classification (germline): Pathogenic/Likely pathogenic. Review status: criteria provided, multiple submitters, no conflicts (2 of 4 stars). 2 submissions from 2 submitters: Pathogenic (1); Likely pathogenic (1). Last evaluated 2024-08-08.

Conditions:
Muscular dystrophy-dystroglycanopathy (congenital with brain and eye anomalies), type a, 12 (MDDGA12). Also called: WALKER-WARBURG SYNDROME OR MUSCLE-EYE-BRAIN DISEASE, POMK-RELATED. Identifiers: Orphanet 899, MedGen C3808964, MONDO:0014101, OMIM 615249.
Limb-girdle muscular dystrophy due to POMK deficiency. Also called: MUSCULAR DYSTROPHY-DYSTROGLYCANOPATHY, LIMB-GIRDLE, POMK-RELATED; Muscular dystrophy-dystroglycanopathy (limb-girdle), type c, 12. Identifiers: Orphanet 445110, MedGen C4015184, MONDO:0014489, OMIM 616094.

Submissions (2):

Labcorp Genetics (formerly Invitae), Labcorp
Classification: Pathogenic for Muscular dystrophy-dystroglycanopathy (congenital with brain and eye anomalies), type a, 12; Limb-girdle muscular dystrophy due to POMK deficiency. Last evaluated: 2024-08-08. Review status: criteria provided, single submitter. Criteria: Invitae Variant Classification Sherloc (09022015). Collection method: clinical testing. Allele origin: germline.
Comment: This sequence change creates a premature translational stop signal (p.Leu129Profs*13) in the POMK gene. While this is not anticipated to result in nonsense mediated decay, it is expected to disrupt the last 222 amino acid(s) of the POMK protein. This variant is not present in population databases (gnomAD no frequency). This variant has not been reported in the literature in individuals affected with POMK-related conditions. ClinVar contains an entry for this variant (Variation ID: 1339764). This variant disrupts a region of the POMK protein in which other variant(s) (p.Pro322Leu) have been determined to be pathogenic (PMID: 29910097, 30060766). This suggests that this is a clinically significant region of the protein, and that variants that disrupt it are likely to be disease-causing. For these reasons, this variant has been classified as Pathogenic.

Women's Health and Genetics/Laboratory Corporation of America, LabCorp
Classification: Likely pathogenic for Muscular dystrophy-dystroglycanopathy (congenital with brain and eye anomalies), type a, 12. Last evaluated: 2022-01-06. Review status: criteria provided, single submitter. Criteria: LabCorp Variant Classification Summary - May 2015. Collection method: clinical testing. Allele origin: germline.
Comment: Variant summary: POMK c.386_387delTC (p.Leu129ProfsX13) results in a premature termination codon, predicted to cause a truncation of the encoded protein or absence of the protein due to nonsense mediated decay, which are commonly known mechanisms for disease. Truncations downstream of this position have been associated with Walker-Warburg syndrome with meningoencephalocele (HGMD database). The variant was absent in 251442 control chromosomes (gnomAD). To our knowledge, no occurrence of c.386_387delTC in individuals affected with Muscular Dystrophy-Dystroglycanopathy (congenital With Brain And Eye Anomalies), Type A, 12 and no experimental evidence demonstrating its impact on protein function have been reported. No clinical diagnostic laboratories have submitted clinical-significance assessments for this variant to ClinVar after 2014. Based on the evidence outlined above, the variant was classified as likely pathogenic.

Literature cited by the submitters: PubMed 29910097 (cited by Labcorp Genetics (formerly Invitae), Labcorp); PubMed 30060766 (cited by Labcorp Genetics (formerly Invitae), Labcorp).